The following is an entry in ClinVar:

ClinVar aggregate classification (germline): Uncertain significance (1 of 4 stars; one submission).

gnomAD v4.1: 1 of 1,613,988 alleles (0.000062%); highest among the groups gnomAD compares: African/African-American, 0.0013%; no homozygotes.

Submission:

Labcorp Genetics (formerly Invitae), Labcorp
Classification: Uncertain significance. Last evaluated: 2024-12-12. Review status: criteria provided, single submitter. Criteria: Invitae Variant Classification Sherloc (09022015). Collection method: clinical testing. Allele origin: germline.
Comment: This sequence change replaces valine, which is neutral and non-polar, with glycine, which is neutral and non-polar, at codon 114 of the ALPK1 protein (p.Val114Gly). This variant is present in population databases (rs752167593, gnomAD 0.007%). This variant has not been reported in the literature in individuals affected with ALPK1-related conditions. Invitae Evidence Modeling of protein sequence and biophysical properties (such as structural, functional, and spatial information, amino acid conservation, physicochemical variation, residue mobility, and thermodynamic stability) indicates that this missense variant is not expected to disrupt ALPK1 protein function with a negative predictive value of 80%. In summary, the available evidence is currently insufficient to determine the role of this variant in disease. Therefore, it has been classified as a Variant of Uncertain Significance.

NM_025144.4(ALPK1):c.341T>G (p.Val114Gly)

Gene: ALPK1 (alpha kinase 1; plus strand). Cytogenetic location: 4q25.
Variant type: single nucleotide variant.
Coding change: c.341T>G on transcript NM_025144.4 (MANE Select); coding-DNA position 341, T replaced by G.
Protein change: p.Val114Gly; replaces valine 114 with glycine.
Molecular consequence: missense variant.
Genome position (GRCh38, 1-based): chr4:112,411,891, T>G. VCF-style: chr4-112411891-T-G. GRCh37 (hg19) VCF-style: chr4-113333047-T-G.
Other names: c.341T>G, p.Val114Gly (NM_001102406.2); c.107T>G, p.Val36Gly (NM_001253884.2); short protein forms V36G, V114G.
Identifiers: ClinVar variation 3709193 (VCV003709193.2).